The following is an entry in ClinVar:

ClinVar aggregate classification (germline): Conflicting classifications of pathogenicity. Review status: criteria provided, conflicting classifications (1 of 4 stars). 4 submissions from 4 submitters: Uncertain significance (3); Likely benign (1). Last evaluated 2026-06-29.

Conditions:
NPC1-related disorder. Also called: NPC1-related condition.
Niemann-Pick disease, type C1. Also called: NEUROVISCERAL STORAGE DISEASE WITH VERTICAL SUPRANUCLEAR OPHTHALMOPLEGIA; NIEMANN-PICK DISEASE WITH CHOLESTEROL ESTERIFICATION BLOCK; NIEMANN-PICK DISEASE WITHOUT SPHINGOMYELINASE DEFICIENCY; NIEMANN-PICK DISEASE, CHRONIC NEURONOPATHIC FORM; NIEMANN-PICK DISEASE, VARIANT TYPE C1. Identifiers: Orphanet 646, MedGen C3179455, MONDO:0009757, OMIM 257220.

Submissions (4):

PreventionGenetics, part of Exact Sciences
Classification: Likely benign for NPC1-related condition. Last evaluated: 2026-06-29. Review status: criteria provided, single submitter. Criteria: ACMG Guidelines, 2015. Collection method: clinical testing. Allele origin: germline.
Comment: This variant is classified as likely benign based on ACMG/AMP sequence variant interpretation guidelines (Richards et al. 2015 PMID: 25741868, with internal and published modifications).

Labcorp Genetics (formerly Invitae), Labcorp
Classification: Uncertain significance for Niemann-Pick disease, type C1. Last evaluated: 2022-10-28. Review status: criteria provided, single submitter. Criteria: Invitae Variant Classification Sherloc (09022015). Collection method: clinical testing. Allele origin: germline.
Comment: This sequence change falls in intron 23 of the NPC1 gene. It does not directly change the encoded amino acid sequence of the NPC1 protein. This variant is present in population databases (rs764142835, gnomAD 0.006%). This variant has not been reported in the literature in individuals affected with NPC1-related conditions. Algorithms developed to predict the effect of sequence changes on RNA splicing suggest that this variant may disrupt the consensus splice site. In summary, the available evidence is currently insufficient to determine the role of this variant in disease. Therefore, it has been classified as a Variant of Uncertain Significance.

Fulgent Genetics
Classification: Uncertain significance for Niemann-Pick disease, type C1. Last evaluated: 2021-08-16. Review status: criteria provided, single submitter. Criteria: ACMG Guidelines, 2015. Collection method: clinical testing. Allele origin: unknown.

Eurofins Ntd Llc (ga)
Classification: Uncertain significance. Last evaluated: 2016-07-25. Review status: criteria provided, single submitter. Criteria: EGL Classification Definitions 2015. Collection method: clinical testing. Allele origin: germline. Observed: 1 variant allele, 1 heterozygote.

NM_000271.5(NPC1):c.3592-7_3592-5del

Gene: NPC1 (NPC intracellular cholesterol transporter 1; minus strand). Cytogenetic location: 18q11.2.
Variant type: Microsatellite.
Coding change: c.3592-7_3592-5del on transcript NM_000271.5 (MANE Select); 7 bases into the intron before coding-DNA position 3592 through 5 bases into the intron before coding-DNA position 3592, 3 bases deleted (CTT; older notation c.3592-7_3592-5delCTT).
Molecular consequence: intron variant.
Genome position (GRCh38, 1-based): chr18:23,533,522-23,533,524, AAG deleted on the plus strand (CTT on the coding strand, the reverse complement: NPC1 is on the minus strand); deleting any 3 consecutive bases within chr18:23,533,522-23,533,528 gives the same sequence; the c. name uses the placement nearest the transcript's 3' end. VCF-style (leftmost placement, unchanged base first): chr18-23533521-AAAG-A. GRCh37 (hg19) VCF-style: chr18-21113485-AAAG-A.
Other names: c.3592-7_3592-5delCTT (NM_000271.4).
Identifiers: ClinVar variation 289808 (VCV000289808.8), dbSNP rs764142835, ClinGen allele CA8912694.